The following is an entry in ClinVar:

ClinVar aggregate classification (germline): Uncertain significance. Review status: criteria provided, multiple submitters, no conflicts (2 of 4 stars). 2 submissions from 2 submitters: Uncertain significance (2). Last evaluated 2022-11-17.

Conditions:
Cardiovascular phenotype. Identifiers: MedGen CN230736.
Long QT syndrome (LQTS). Identifiers: MedGen C0023976, MeSH D008133, MONDO:0002442. Disease mechanism: loss of function. Inheritance: Various modes of inheritance.

Allele frequency attached by ClinVar (database versions not stated): gnomAD exomes below 0.00001.
gnomAD v4.1: 1 of 1,613,906 alleles (0.000062%); highest among the groups gnomAD compares: Admixed American, 0.0017%; no homozygotes.

Submissions (2):

Ambry Genetics
Classification: Uncertain significance for Cardiovascular phenotype. Last evaluated: 2022-11-17. Review status: criteria provided, single submitter. Criteria: Ambry Variant Classification Scheme 2023. Collection method: clinical testing. Allele origin: germline.
Comment: The p.N3479D variant (also known as c.10435A>G), located in coding exon 42 of the AKAP9 gene, results from an A to G substitution at nucleotide position 10435. The asparagine at codon 3479 is replaced by aspartic acid, an amino acid with highly similar properties. This amino acid position is conserved. In addition, this alteration is predicted to be tolerated by in silico analysis. Since supporting evidence is limited at this time, the clinical significance of this alteration remains unclear.

Labcorp Genetics (formerly Invitae), Labcorp
Classification: Uncertain significance for Long QT syndrome. Last evaluated: 2021-09-02. Review status: criteria provided, single submitter. Criteria: Invitae Variant Classification Sherloc (09022015). Collection method: clinical testing. Allele origin: germline.

NM_005751.5(AKAP9):c.10435A>G (p.Asn3479Asp)

Gene: AKAP9 (A-kinase anchoring protein 9; plus strand). Cytogenetic location: 7q21.2.
Variant type: single nucleotide variant.
Coding change: c.10435A>G on transcript NM_005751.5 (MANE Select); coding-DNA position 10435, A replaced by G.
Protein change: p.Asn3479Asp; replaces asparagine 3479 with aspartic acid.
Molecular consequence: missense variant.
Genome position (GRCh38, 1-based): chr7:92,097,622, A>G. VCF-style: chr7-92097622-A-G. GRCh37 (hg19) VCF-style: chr7-91726936-A-G.
Other names: c.5080A>G, p.Asn1694Asp (NM_001379277.1); c.10411A>G, p.Asn3471Asp (NM_147185.3); short protein forms N3479D, N3471D, N1694D.
Identifiers: ClinVar variation 640325 (VCV000640325.6), dbSNP rs982934060, ClinGen allele CA161897509.